The following is an entry in ClinVar:

NM_001429.4(EP300):c.1135A>C (p.Met379Leu)

Gene: EP300 (EP300 lysine acetyltransferase; plus strand). Cytogenetic location: 22q13.2.
Variant type: single nucleotide variant.
Coding change: c.1135A>C on transcript NM_001429.4 (MANE Select); coding-DNA position 1135, A replaced by C.
Protein change: p.Met379Leu; replaces methionine 379 with leucine.
Molecular consequence: missense variant.
Genome position (GRCh38, 1-based): chr22:41,127,715, A>C. VCF-style: chr22-41127715-A-C. GRCh37 (hg19) VCF-style: chr22-41523719-A-C.
Other names: c.1135A>C, p.Met379Leu (NM_001362843.2); short protein forms M379L.
Identifiers: ClinVar variation 3900545 (VCV003900545.1).

ClinVar aggregate classification (germline): Uncertain significance (1 of 4 stars; one submission).

Submission:

GeneDx
Classification: Uncertain significance. Last evaluated: 2024-11-20. Review status: criteria provided, single submitter. Criteria: GeneDx Variant Classification Process June 2021. Collection method: clinical testing. Allele origin: germline. Affected: yes.
Comment: Not observed at significant frequency in large population cohorts (gnomAD); In silico analysis supports that this missense variant has a deleterious effect on protein structure/function; Has not been previously published as pathogenic or benign to our knowledge